The following is an entry in ClinVar:

ClinVar aggregate classification (germline): Uncertain significance (1 of 4 stars; one submission).

Conditions:
Hyperinsulinemic hypoglycemia, familial, 1 (HHF1). Also called: Persistent hyperinsulinemic hypoglycemia of infancy; HYPERINSULINISM, FAMILIAL, WITH PANCREATIC NESIDIOBLASTOSIS; HYPOGLYCEMIA, HYPERINSULINEMIC, OF INFANCY; NESIDIOBLASTOSIS OF PANCREAS; Persistent Hyperinsulinemia Hypoglycemia of Infancy. Identifiers: Orphanet 276575, Orphanet 276598, MedGen C2931832, MONDO:0009734, OMIM 256450.

Submission:

Myriad Genetics, Inc.
Classification: Uncertain significance for Hyperinsulinemic hypoglycemia, familial, 1. Last evaluated: 2026-02-24. Review status: criteria provided, single submitter. Criteria: Myriad Autosomal Dominant, Autosomal Recessive and X-Linked Classification Criteria (2023). Collection method: clinical testing. Allele origin: unknown.
Comment: NM_000352.3(ABCC8):c.3867+4_3867+16del13ins4 is an intronic variant classified as a variant of uncertain significance in the context of familial hyperinsulinism, ABCC8-related. c.3867+4_3867+16del13ins4 has not been observed in cases with relevant disease. Relevant functional assessments of this variant are not available in the literature. c.3867+4_3867+16del13ins4 has not been observed in referenced population frequency databases. In summary, there is insufficient evidence to classify NM_000352.3(ABCC8):c.3867+4_3867+16del13ins4 as pathogenic or benign. Please note: this variant was assessed in the context of healthy population screening.

NM_000352.6(ABCC8):c.3867+4_3867+16delinsGGCG

Gene: ABCC8 (ATP binding cassette subfamily C member 8; minus strand). Cytogenetic location: 11p15.1.
Variant type: Indel.
Coding change: c.3867+4_3867+16delinsGGCG on transcript NM_000352.6 (MANE Select); bases 4 to 16 of the intron after coding-DNA position 3867, AGCGGCAGTGGGC replaced by GGCG.
Molecular consequence: intron variant.
Genome position (GRCh38, 1-based): chr11:17,397,668-17,397,680, GCCCACTGCCGCT replaced by CGCC on the plus strand (AGCGGCAGTGGGC replaced by GGCG on the coding strand, the reverse complement: ABCC8 is on the minus strand). VCF-style: chr11-17397668-GCCCACTGCCGCT-CGCC. GRCh37 (hg19) VCF-style: chr11-17419215-GCCCACTGCCGCT-CGCC.
Other names: c.3864+4_3864+16delinsGGCG (NM_001351297.2); c.3867+4_3867+16delinsGGCG (NM_001351296.2); c.3933+4_3933+16delinsGGCG (NM_001351295.2); c.3870+4_3870+16delinsGGCG (NM_001287174.3).
Identifiers: ClinVar variation 5004490 (VCV005004490.1).